The following is an entry in ClinVar:

NM_001001331.4(ATP2B2):c.2835G>A (p.Pro945=)

Gene: ATP2B2 (ATPase plasma membrane Ca2+ transporting 2; minus strand). Cytogenetic location: 3p25.3.
Variant type: single nucleotide variant.
Coding change: c.2835G>A on transcript NM_001001331.4 (MANE Select); coding-DNA position 2835, G replaced by A.
Protein change: p.Pro945=; no amino-acid change (proline 945 retained).
Molecular consequence: synonymous variant.
Genome position (GRCh38, 1-based): chr3:10,342,834, C>T on the plus strand (G>A on the coding strand, the complement: ATP2B2 is on the minus strand). VCF-style: chr3-10342834-C-T. GRCh37 (hg19) VCF-style: chr3-10384518-C-T.
Other names: c.2700G>A, p.Pro900= (NM_001330611.3, NM_001353564.1, NM_001363862.1 and 1 more transcripts).
Identifiers: ClinVar variation 745074 (VCV000745074.22), dbSNP rs374714860, ClinGen allele CA2253269.
Genomic context (GRCh38, chr3:10,342,834, plus strand): 5'-GAGGGCAAGCTGGTAGACAGCATGGCCCAGGATGTTCTTCATCATGGTCCTGGAGATGAG[C>T]GGCTTGTTGCGGCCGTACGGCTTCCTCAGCAGCAGGGTCTCCGTGGGCGGCTCAGTGGCC-3'
Protein context (NP_001001331.1, residues 935-955): LLRKPYGRNK[Pro945=]LISRTMMKNI

ClinVar aggregate classification (germline): Likely benign. Review status: criteria provided, multiple submitters, no conflicts (2 of 4 stars). 3 submissions from 3 submitters: Likely benign (3). Last evaluated 2024-11-01.

Allele frequency attached by ClinVar (database versions not stated): TOPMed 0.00007; gnomAD 0.00013; ESP Exome Variant Server 0.00015.
gnomAD v4.1: 145 of 1,613,822 alleles (0.009%); highest among the groups gnomAD compares: Non-Finnish European, 0.011%; no homozygotes.

Submissions (3):

CeGaT Center for Human Genetics Tuebingen
Classification: Likely benign. Last evaluated: 2024-11-01. Review status: criteria provided, single submitter. Criteria: CeGaT Center For Human Genetics Tuebingen Variant Classification Criteria Version 2. Collection method: clinical testing. Allele origin: germline. Affected: yes. Observed: 1 variant allele.
Comment: ATP2B2: BP4, BP7

Blueprint Genetics
Classification: Likely benign. Last evaluated: 2024-09-09. Review status: criteria provided, single submitter. Criteria: ACMG Guidelines, 2015. Collection method: clinical testing. Allele origin: germline.

Labcorp Genetics (formerly Invitae), Labcorp
Classification: Likely benign. Last evaluated: 2023-07-07. Review status: criteria provided, single submitter. Criteria: Invitae Variant Classification Sherloc (09022015). Collection method: clinical testing. Allele origin: germline.